The following is an entry in ClinVar:

NM_016373.4(WWOX):c.791+4G>C

Gene: WWOX (WW domain containing oxidoreductase; plus strand). Cytogenetic location: 16q23.1.
Variant type: single nucleotide variant.
Coding change: c.791+4G>C on transcript NM_016373.4 (MANE Select); 4 bases into the intron after coding-DNA position 791, G replaced by C.
Molecular consequence: intron variant.
Genome position (GRCh38, 1-based): chr16:78,425,059, G>C. VCF-style: chr16-78425059-G-C. GRCh37 (hg19) VCF-style: chr16-78458956-G-C.
Other names: c.452+4G>C (NM_001291997.2).
Identifiers: ClinVar variation 1924869 (VCV001924869.5), dbSNP rs766952918, ClinGen allele CA8183458.
Genomic context (GRCh38, chr16:78,425,059, plus strand): 5'-TGTTTTGTGCCGCTCAGCTCCTGCCCGTGTCATTGTGGTCTCCTCAGAGTCCCATCGGTG[G>C]GTTTGAATTGCATATTTGTTCACTTATCCCCTTTCTCATACCAGCTAATATTCCCCCAAG-3'

ClinVar aggregate classification (germline): Uncertain significance (1 of 4 stars; one submission).

Conditions:
Developmental and epileptic encephalopathy, 1 (DEE1). Also called: X-linked infantile spasms; West's syndrome; Tonic spasms with clustering, arrest of psychomotor development and hypsarrhythmia on EEG; X-Linked Infantile Spasm Syndrome; OHTAHARA SYNDROME, X-LINKED; Epileptic encephalopathy, early infantile, 1. Identifiers: MedGen C3463992, MONDO:0010632, OMIM 308350. Disease mechanism: loss of function.
Autosomal recessive spinocerebellar ataxia 12. Also called: SPINOCEREBELLAR ATAXIA WITH MENTAL RETARDATION AND EPILEPSY. Identifiers: Orphanet 284282, MedGen C3280452, MONDO:0013687, OMIM 614322.

Submission:

Labcorp Genetics (formerly Invitae), Labcorp
Classification: Uncertain significance for Developmental and epileptic encephalopathy, 1; Autosomal recessive spinocerebellar ataxia 12. Last evaluated: 2021-12-29. Review status: criteria provided, single submitter. Criteria: Invitae Variant Classification Sherloc (09022015). Collection method: clinical testing. Allele origin: germline.
Comment: This variant is present in population databases (rs766952918, gnomAD 0.01%), including at least one homozygous and/or hemizygous individual. In summary, the available evidence is currently insufficient to determine the role of this variant in disease. Therefore, it has been classified as a Variant of Uncertain Significance. Variants that disrupt the consensus splice site are a relatively common cause of aberrant splicing (PMID: 17576681, 9536098). Algorithms developed to predict the effect of sequence changes on RNA splicing suggest that this variant is not likely to affect RNA splicing. This variant has not been reported in the literature in individuals affected with WWOX-related conditions. This sequence change falls in intron 7 of the WWOX gene. It does not directly change the encoded amino acid sequence of the WWOX protein. It affects a nucleotide within the consensus splice site.

Literature cited by the submitters: PubMed 17576681; PubMed 9536098.